The following is an entry in ClinVar:

NM_001252024.2(TRPM1):c.2169C>T (p.Tyr723=)

Gene: TRPM1 (transient receptor potential cation channel subfamily M member 1; minus strand). Cytogenetic location: 15q13.3.
Variant type: single nucleotide variant.
Coding change: c.2169C>T on transcript NM_001252024.2 (MANE Select); coding-DNA position 2169, C replaced by T.
Protein change: p.Tyr723=; no amino-acid change (tyrosine 723 retained).
Molecular consequence: synonymous variant.
Genome position (GRCh38, 1-based): chr15:31,040,265, G>A on the plus strand (C>T on the coding strand, the complement: TRPM1 is on the minus strand). VCF-style: chr15-31040265-G-A. GRCh37 (hg19) VCF-style: chr15-31332468-G-A.
Other names: c.2220C>T, p.Tyr740= (NM_001252020.2); c.2103C>T, p.Tyr701= (NM_002420.6); c.2220C>T (NM_001252020.1).
Identifiers: ClinVar variation 886387 (VCV000886387.14), dbSNP rs370305789, ClinGen allele CA7452293.

ClinVar aggregate classification (germline): Conflicting classifications of pathogenicity. Review status: criteria provided, conflicting classifications (1 of 4 stars). 4 submissions from 4 submitters: Uncertain significance (1); Likely benign (3). Last evaluated 2025-11-15.

Conditions:
Congenital stationary night blindness 1C. Also called: Night blindness, congenital stationary (complete), 1C, autosomal recessive. Identifiers: Orphanet 215, MedGen C2750747, MONDO:0013183, OMIM 613216.
TRPM1-related disorder. Also called: TRPM1-related condition.

Allele frequency attached by ClinVar (database versions not stated): gnomAD exomes 0.00004 and 0.00011; ExAC 0.00005; TOPMed 0.00014; ESP Exome Variant Server 0.00016.
gnomAD v4.1: 173 of 1,614,066 alleles (0.011%); highest among the groups gnomAD compares: Non-Finnish European, 0.013%; no homozygotes.

Submissions (4):

Labcorp Genetics (formerly Invitae), Labcorp
Classification: Likely benign. Last evaluated: 2025-11-15. Review status: criteria provided, single submitter. Criteria: Invitae Variant Classification Sherloc (09022015). Collection method: clinical testing. Allele origin: germline.

PreventionGenetics, part of Exact Sciences
Classification: Likely benign for TRPM1-related condition. Last evaluated: 2025-09-23. Review status: criteria provided, single submitter. Criteria: ACMG Guidelines, 2015. Collection method: clinical testing. Allele origin: germline.
Comment: This variant is classified as likely benign based on ACMG/AMP sequence variant interpretation guidelines (Richards et al. 2015 PMID: 25741868, with internal and published modifications).

Blueprint Genetics
Classification: Likely benign. Last evaluated: 2024-09-02. Review status: criteria provided, single submitter. Criteria: ACMG Guidelines, 2015. Collection method: clinical testing. Allele origin: germline.

Illumina Laboratory Services, Illumina
Classification: Uncertain significance for Congenital stationary night blindness 1C. Last evaluated: 2018-03-30. Review status: criteria provided, single submitter. Criteria: ICSL Variant Classification Criteria 13 December 2019. Collection method: clinical testing. Allele origin: germline.